The following is an entry in ClinVar:

ClinVar aggregate classification (germline): Uncertain significance. Review status: criteria provided, multiple submitters, no conflicts (2 of 4 stars). 2 submissions from 2 submitters: Uncertain significance (2). Last evaluated 2025-08-12.

Conditions:
Inborn genetic diseases. Identifiers: MedGen C0950123, MeSH D030342.

gnomAD v4.1: 11 of 1,614,112 alleles (0.00068%); highest among the groups gnomAD compares: Admixed American, 0.0083%; no homozygotes.

Submissions (2):

Mayo Clinic Laboratories, Mayo Clinic
Classification: Uncertain significance. Last evaluated: 2025-08-12. Review status: criteria provided, single submitter. Criteria: ACMG Guidelines, 2015. Collection method: clinical testing. Allele origin: germline. Observed: 2 variant alleles.
Comment: BP4_moderate, PM2_supporting

Ambry Genetics
Classification: Uncertain significance for Inborn genetic diseases. Last evaluated: 2024-08-11. Review status: criteria provided, single submitter. Criteria: Ambry Variant Classification Scheme 2023. Collection method: clinical testing. Allele origin: germline.

NM_001355436.2(SPTB):c.5081A>G (p.Gln1694Arg)

Gene: SPTB (spectrin beta, erythrocytic; minus strand). Cytogenetic location: 14q23.3.
Variant type: single nucleotide variant.
Coding change: c.5081A>G on transcript NM_001355436.2 (MANE Select); coding-DNA position 5081, A replaced by G.
Protein change: p.Gln1694Arg; replaces glutamine 1694 with arginine.
Molecular consequence: missense variant.
Genome position (GRCh38, 1-based): chr14:64,773,317, T>C on the plus strand (A>G on the coding strand, the complement: SPTB is on the minus strand). VCF-style: chr14-64773317-T-C. GRCh37 (hg19) VCF-style: chr14-65240035-T-C.
Other names: NM_000347.5:c.5081A>G; p.Gln1694Arg; c.5081A>G, p.Gln1694Arg (NM_001024858.4, NM_001355437.2); short protein forms Q1694R.
Identifiers: ClinVar variation 3448935 (VCV003448935.2).